The following is an entry in ClinVar:

NM_004453.4(ETFDH):c.1616T>G (p.Leu539Ter)

Gene: ETFDH (electron transfer flavoprotein dehydrogenase; plus strand). Cytogenetic location: 4q32.1.
Variant type: single nucleotide variant.
Coding change: c.1616T>G on transcript NM_004453.4 (MANE Select); coding-DNA position 1616, T replaced by G.
Protein change: p.Leu539Ter; replaces leucine 539 with a stop codon.
Molecular consequence: nonsense.
Genome position (GRCh38, 1-based): chr4:158,706,776, T>G. VCF-style: chr4-158706776-T-G. GRCh37 (hg19) VCF-style: chr4-159627928-T-G.
Other names: c.1475T>G, p.Leu492Ter (NM_001281737.2); c.1433T>G, p.Leu478Ter (NM_001281738.1); short protein forms L478*, L492*, L539*.
Identifiers: ClinVar variation 4067458 (VCV004067458.2).

ClinVar aggregate classification (germline): Likely pathogenic (1 of 4 stars; one submission).

Conditions:
Glutaric acidemia type 2C.

Submission:

Natera, Inc.
Classification: Likely pathogenic for Glutaric acidemia type 2C. Last evaluated: 2025-03-11. Review status: criteria provided, single submitter. Criteria: Natera Variant Classification Schema (03/2026). Collection method: clinical testing. Allele origin: germline.
Comment: The c.1616T>G variant in ETFDH is a nonsense variant predicted to introduce a stop codon at amino acid 539. This variant is expected to result in nonsense mediated decay, truncation, or a dysfunctional protein product. This variant is rare in the general population with a frequency below the threshold expected for the associated phenotype(s). Given the available evidence, this variant is classified as Likely Pathogenic.